The following is an entry in ClinVar:

NM_199420.4(POLQ):c.1769T>C (p.Leu590Pro)

Gene: POLQ (DNA polymerase theta; minus strand). Cytogenetic location: 3q13.33.
Variant type: single nucleotide variant.
Coding change: c.1769T>C on transcript NM_199420.4 (MANE Select); coding-DNA position 1769, T replaced by C.
Protein change: p.Leu590Pro; replaces leucine 590 with proline.
Molecular consequence: missense variant.
Genome position (GRCh38, 1-based): chr3:121,510,086, A>G on the plus strand (T>C on the coding strand, the complement: POLQ is on the minus strand). VCF-style: chr3-121510086-A-G. GRCh37 (hg19) VCF-style: chr3-121228933-A-G.
Other names: short protein forms L590P.
Identifiers: ClinVar variation 2563817 (VCV002563817.2), dbSNP rs2048241572, ClinGen allele CA354114508.
Genomic context (GRCh38, chr3:121,510,086, plus strand): 5'-AAGTCACACTTACCTTCTGTTCCATCACTGGCTTCTGTACTCTGGATGAATTCATTTTCT[A>G]GTAGCCACATCACACAGGCCTCAATCGCTCCAAGCTGAACAGACTCTTGATTTCTCTGAA-3'
Protein context (NP_955452.3, residues 580-600): GAIEACVMWL[Leu590Pro]ENEFIQSTEA

ClinVar aggregate classification (germline): Uncertain significance (1 of 4 stars; one submission).

Allele frequency attached by ClinVar (database versions not stated): TOPMed below 0.00001.

Submission:

Ambry Genetics
Classification: Uncertain significance. Last evaluated: 2023-04-28. Review status: criteria provided, single submitter. Criteria: Ambry Variant Classification Scheme 2023. Collection method: clinical testing. Allele origin: germline.
Comment: The p.L590P variant (also known as c.1769T>C), located in coding exon 11 of the POLQ gene, results from a T to C substitution at nucleotide position 1769. The leucine at codon 590 is replaced by proline, an amino acid with similar properties. This amino acid position is conserved. In addition, the in silico prediction for this alteration is inconclusive. Since supporting evidence is limited at this time, the clinical significance of this alteration remains unclear.